The following is an entry in ClinVar:

ClinVar aggregate classification (germline): Uncertain significance (1 of 4 stars; one submission).

Submission:

Labcorp Genetics (formerly Invitae), Labcorp
Classification: Uncertain significance. Last evaluated: 2025-09-10. Review status: criteria provided, single submitter. Criteria: Invitae Variant Classification Sherloc (09022015). Collection method: clinical testing. Allele origin: germline.
Comment: This sequence change replaces alanine, which is neutral and non-polar, with aspartic acid, which is acidic and polar, at codon 162 of the CFP protein (p.Ala162Asp). This variant is not present in population databases (gnomAD no frequency). This variant has not been reported in the literature in individuals affected with CFP-related conditions. Invitae Evidence Modeling of protein sequence and biophysical properties (such as structural, functional, and spatial information, amino acid conservation, physicochemical variation, residue mobility, and thermodynamic stability) indicates that this missense variant is not expected to disrupt CFP protein function with a negative predictive value of 80%. In summary, the available evidence is currently insufficient to determine the role of this variant in disease. Therefore, it has been classified as a Variant of Uncertain Significance.

NM_001145252.3(CFP):c.485C>A (p.Ala162Asp)

Gene: CFP (complement factor properdin; minus strand). Cytogenetic location: Xp11.23.
Variant type: single nucleotide variant.
Coding change: c.485C>A on transcript NM_001145252.3 (MANE Select); coding-DNA position 485, C replaced by A.
Protein change: p.Ala162Asp; replaces alanine 162 with aspartic acid.
Molecular consequence: missense variant.
Genome position (GRCh38, 1-based): chrX:47,627,560, G>T on the plus strand (C>A on the coding strand, the complement: CFP is on the minus strand). VCF-style: chrX-47627560-G-T. GRCh37 (hg19) VCF-style: chrX-47486959-G-T.
Other names: c.485C>A, p.Ala162Asp (NM_002621.2); short protein forms A162D.
Identifiers: ClinVar variation 4812283 (VCV004812283.1).